The following is an entry in ClinVar:

ClinVar aggregate classification (germline): Pathogenic (1 of 4 stars; one submission).

Submission:

Labcorp Genetics (formerly Invitae), Labcorp
Classification: Pathogenic. Last evaluated: 2022-03-03. Review status: criteria provided, single submitter. Criteria: Invitae Variant Classification Sherloc (09022015). Collection method: clinical testing. Allele origin: germline.
Comment: For these reasons, this variant has been classified as Pathogenic. This variant has not been reported in the literature in individuals affected with GFM1-related conditions. This variant is not present in population databases (gnomAD no frequency). This sequence change creates a premature translational stop signal (p.Glu490Aspfs*46) in the GFM1 gene. It is expected to result in an absent or disrupted protein product. Loss-of-function variants in GFM1 are known to be pathogenic (PMID: 16632485, 17160893).

Literature cited by the submitters: PubMed 16632485; PubMed 17160893.

NM_024996.7(GFM1):c.1470_1471del (p.Glu490fs)

Gene: GFM1 (G elongation factor mitochondrial 1; plus strand). Cytogenetic location: 3q25.32.
Variant type: Microsatellite.
Coding change: c.1470_1471del on transcript NM_024996.7 (MANE Select); coding-DNA positions 1470 to 1471, 2 bases deleted (GA; older notation c.1470_1471delGA).
Protein change: p.Glu490fs; shifts the reading frame from glutamic acid 490.
Molecular consequence: frameshift variant. On other transcripts: non-coding transcript variant (4).
Genome position (GRCh38, 1-based): chr3:158,665,426-158,665,427, GA deleted; deleting any 2 consecutive bases within chr3:158,665,423-158,665,427 gives the same sequence; the c. name uses the placement nearest the transcript's 3' end. VCF-style (leftmost placement, unchanged base first): chr3-158665422-AAG-A. GRCh37 (hg19) VCF-style: chr3-158383211-AAG-A.
Other names: c.1527_1528del, p.Glu509fs (NM_001308164.2); c.1470_1471del, p.Glu490fs (NM_001308166.2); c.1389_1390del, p.Glu463fs (NM_001374355.1); c.1353_1354del, p.Glu451fs (NM_001374356.1); c.1245_1246del, p.Glu415fs (NM_001374357.1); c.1011_1012del, p.Glu337fs (NM_001374358.1); c.903_904del, p.Glu301fs (NM_001374359.1, NM_001374360.1); c.786_787del, p.Glu262fs (NM_001374361.1); short protein forms E415fs, E337fs, E490fs, E262fs, E301fs, E451fs, E463fs, E509fs.
Identifiers: ClinVar variation 2106481 (VCV002106481.4), dbSNP rs1437329709, ClinGen allele CA901391196.